The following is an entry in ClinVar:

NM_000321.3(RB1):c.2372A>G (p.Lys791Arg)

Gene: RB1 (RB transcriptional corepressor 1; plus strand). Cytogenetic location: 13q14.2.
Variant type: single nucleotide variant.
Coding change: c.2372A>G on transcript NM_000321.3 (MANE Select); coding-DNA position 2372, A replaced by G.
Protein change: p.Lys791Arg; replaces lysine 791 with arginine.
Molecular consequence: missense variant.
Genome position (GRCh38, 1-based): chr13:48,465,251, A>G. VCF-style: chr13-48465251-A-G. GRCh37 (hg19) VCF-style: chr13-49039387-A-G.
Other names: short protein forms K791R.
Identifiers: ClinVar variation 1044732 (VCV001044732.13), dbSNP rs777670056, ClinGen allele CA035387.

ClinVar aggregate classification (germline): Conflicting classifications of pathogenicity. Review status: criteria provided, conflicting classifications (1 of 4 stars). 4 submissions from 4 submitters: Uncertain significance (2); Likely benign (2). Last evaluated 2026-02-03.

Conditions:
Hereditary cancer-predisposing syndrome. Also called: Hereditary Cancer Syndrome; Tumor predisposition; Hereditary neoplastic syndrome; Neoplastic Syndromes, Hereditary. Identifiers: Orphanet 140162, MedGen C0027672, MeSH D009386, MONDO:0015356.
Retinoblastoma (RB1). Also called: RETINOBLASTOMA, SOMATIC. Identifiers: Orphanet 790, MedGen C0035335, MeSH D012175, MONDO:0008380, OMIM 180200, HP:0009919. Disease mechanism: loss of function. Inheritance: Both sporadic and heritable forms are tested..

Allele frequency attached by ClinVar (database versions not stated): gnomAD exomes below 0.00001; ExAC 0.00001.
gnomAD v4.1: 3 of 1,613,876 alleles (0.00019%); highest among the groups gnomAD compares: Non-Finnish European, 0.00025%; no homozygotes.

Submissions (4):

Labcorp Genetics (formerly Invitae), Labcorp
Classification: Likely benign for Retinoblastoma. Last evaluated: 2026-02-03. Review status: criteria provided, single submitter. Criteria: Invitae Variant Classification Sherloc (09022015). Collection method: clinical testing. Allele origin: germline.

Color Diagnostics, LLC DBA Color Health
Classification: Uncertain significance for Retinoblastoma. Last evaluated: 2025-09-03. Review status: criteria provided, single submitter. Criteria: ACMG Guidelines, 2015. Collection method: clinical testing. Allele origin: germline.
Comment: This missense variant replaces lysine with arginine at codon 791 of the RB1 protein. Computational prediction suggests that this variant may not impact protein structure and function. To our knowledge, functional studies have not been reported for this variant. This variant has not been reported in individuals affected with RB1-related disorders in the literature. This variant has been identified in 1/251428 chromosomes in the general population by the Genome Aggregation Database (gnomAD). The available evidence is insufficient to determine the role of this variant in disease conclusively. Therefore, this variant is classified as a Variant of Uncertain Significance.

All of Us Research Program, National Institutes of Health
Classification: Uncertain significance for Retinoblastoma. Last evaluated: 2023-09-04. Review status: criteria provided, single submitter. Criteria: ACMG Guidelines, 2015. Collection method: clinical testing. Allele origin: germline. Inheritance: Autosomal dominant inheritance. Observed: 3 variant alleles, 3 heterozygotes.
Comment: This missense variant replaces lysine with arginine at codon 791 of the RB1 protein. Computational prediction suggests that this variant may not impact protein structure and function (internally defined REVEL score threshold <= 0.5, PMID: 27666373). To our knowledge, functional studies have not been reported for this variant. This variant has not been reported in individuals affected with RB1-related disorders in the literature. This variant has been identified in 1/251428 chromosomes in the general population by the Genome Aggregation Database (gnomAD). The available evidence is insufficient to determine the role of this variant in disease conclusively. Therefore, this variant is classified as a Variant of Uncertain Significance.

This study involves interpretation of variants in research participants for the purpose of population health screening. Participant phenotype was not available at the time of variant classification. Additional details can be found in publication PMID: 35346344, PMCID: PMC8962531

Ambry Genetics
Classification: Likely benign for Hereditary cancer-predisposing syndrome. Last evaluated: 2023-03-29. Review status: criteria provided, single submitter. Criteria: Ambry Variant Classification Scheme 2023. Collection method: clinical testing. Allele origin: germline.